The following is an entry in ClinVar:

NM_000260.4(MYO7A):c.3886C>G (p.Arg1296Gly)

Gene: MYO7A (myosin VIIA; plus strand). Cytogenetic location: 11q13.5.
Variant type: single nucleotide variant.
Coding change: c.3886C>G on transcript NM_000260.4 (MANE Select); coding-DNA position 3886, C replaced by G.
Protein change: p.Arg1296Gly; replaces arginine 1296 with glycine.
Molecular consequence: missense variant.
Genome position (GRCh38, 1-based): chr11:77,190,832, C>G. VCF-style: chr11-77190832-C-G. GRCh37 (hg19) VCF-style: chr11-76901877-C-G.
Other names: c.3886C>G, p.Arg1296Gly (NM_001127180.2); c.3853C>G, p.Arg1285Gly (NM_001369365.1); short protein forms R1285G, R1296G.
Identifiers: ClinVar variation 2988780 (VCV002988780.5), dbSNP rs773004793, ClinGen allele CA381947876.

ClinVar aggregate classification (germline): Uncertain significance. Review status: criteria provided, multiple submitters, no conflicts (2 of 4 stars). 2 submissions from 2 submitters: Uncertain significance (2). Last evaluated 2022-12-15.

Conditions:
Autosomal recessive nonsyndromic hearing loss 2. Also called: NEUROSENSORY NONSYNDROMIC RECESSIVE DEAFNESS 2; DEAFNESS, AUTOSOMAL RECESSIVE 2. Identifiers: Orphanet 90636, MedGen C1838701, MONDO:0010807, OMIM 600060.
Usher syndrome type 1 (USH1). Also called: RETINITIS PIGMENTOSA AND CONGENITAL DEAFNESS. Identifiers: Orphanet 231169, Orphanet 886, MedGen C1568247, MONDO:0010168, OMIM 276900.
Autosomal dominant nonsyndromic hearing loss 11. Identifiers: Orphanet 90635, MedGen C1832475, MONDO:0011032, OMIM 601317.

gnomAD v4.1: 1 of 1,587,678 alleles (0.000063%); highest among the groups gnomAD compares: Non-Finnish European, 0.000086%; no homozygotes.

Submissions (2):

Labcorp Genetics (formerly Invitae), Labcorp
Classification: Uncertain significance. Last evaluated: 2022-12-15. Review status: criteria provided, single submitter. Criteria: Invitae Variant Classification Sherloc (09022015). Collection method: clinical testing. Allele origin: germline.
Comment: This sequence change replaces arginine, which is basic and polar, with glycine, which is neutral and non-polar, at codon 1296 of the MYO7A protein (p.Arg1296Gly). This variant is not present in population databases (gnomAD no frequency). This variant has not been reported in the literature in individuals affected with MYO7A-related conditions. Advanced modeling of protein sequence and biophysical properties (such as structural, functional, and spatial information, amino acid conservation, physicochemical variation, residue mobility, and thermodynamic stability) performed at Invitae indicates that this missense variant is not expected to disrupt MYO7A protein function. In summary, the available evidence is currently insufficient to determine the role of this variant in disease. Therefore, it has been classified as a Variant of Uncertain Significance.

Juno Genomics, Hangzhou Juno Genomics, Inc
Classification: Uncertain significance for Autosomal dominant nonsyndromic hearing loss 11; Autosomal recessive nonsyndromic hearing loss 2; Usher syndrome type 1. Review status: criteria provided, single submitter. Criteria: ACMG Guidelines, 2015. Collection method: clinical testing. Allele origin: germline. Affected: yes.
Comment: Absent from controls (or at extremely low frequency if recessive) in Genome Aggregation Database, Exome Sequencing Project, 1000 Genomes Project, or Exome Aggregation Consortium.